The following is an entry in ClinVar:

NM_000321.3(RB1):c.2254A>G (p.Ile752Val)

Gene: RB1 (RB transcriptional corepressor 1; plus strand). Cytogenetic location: 13q14.2.
Variant type: single nucleotide variant.
Coding change: c.2254A>G on transcript NM_000321.3 (MANE Select); coding-DNA position 2254, A replaced by G.
Protein change: p.Ile752Val; replaces isoleucine 752 with valine.
Molecular consequence: missense variant.
Genome position (GRCh38, 1-based): chr13:48,465,040, A>G. VCF-style: chr13-48465040-A-G. GRCh37 (hg19) VCF-style: chr13-49039176-A-G.
Other names: short protein forms I752V.
Identifiers: ClinVar variation 581879 (VCV000581879.11), dbSNP rs1555294601, ClinGen allele CA388167574.

ClinVar aggregate classification (germline): Uncertain significance. Review status: criteria provided, multiple submitters, no conflicts (2 of 4 stars). 2 submissions from 2 submitters: Uncertain significance (2). Last evaluated 2025-05-21.

Conditions:
Hereditary cancer-predisposing syndrome. Also called: Neoplastic Syndromes, Hereditary; Hereditary Cancer Syndrome; Tumor predisposition; Hereditary neoplastic syndrome. Identifiers: Orphanet 140162, MedGen C0027672, MeSH D009386, MONDO:0015356.
Retinoblastoma (RB1). Also called: RETINOBLASTOMA, SOMATIC. Identifiers: Orphanet 790, MedGen C0035335, MeSH D012175, MONDO:0008380, OMIM 180200, HP:0009919. Disease mechanism: loss of function. Inheritance: Both sporadic and heritable forms are tested..

Allele frequency attached by ClinVar (database versions not stated): gnomAD exomes below 0.00001.
gnomAD v4.1: 2 of 1,577,784 alleles (0.00013%); highest among the groups gnomAD compares: Non-Finnish European, 0.00017%; no homozygotes.

Submissions (2):

Ambry Genetics
Classification: Uncertain significance for Hereditary cancer-predisposing syndrome. Last evaluated: 2025-05-21. Review status: criteria provided, single submitter. Criteria: Ambry Variant Classification Scheme 2023. Collection method: clinical testing. Allele origin: germline.
Comment: The p.I752V variant (also known as c.2254A>G), located in coding exon 22 of the RB1 gene, results from an A to G substitution at nucleotide position 2254. The isoleucine at codon 752 is replaced by valine, an amino acid with highly similar properties. This amino acid position is conserved. In addition, this alteration is predicted to be deleterious by in silico analysis. Based on the available evidence, the clinical significance of this variant remains unclear.

Labcorp Genetics (formerly Invitae), Labcorp
Classification: Uncertain significance for Retinoblastoma. Last evaluated: 2024-07-03. Review status: criteria provided, single submitter. Criteria: Invitae Variant Classification Sherloc (09022015). Collection method: clinical testing. Allele origin: germline.
Comment: This sequence change replaces isoleucine, which is neutral and non-polar, with valine, which is neutral and non-polar, at codon 752 of the RB1 protein (p.Ile752Val). This variant is not present in population databases (gnomAD no frequency). This variant has not been reported in the literature in individuals affected with RB1-related conditions. ClinVar contains an entry for this variant (Variation ID: 581879). Advanced modeling of protein sequence and biophysical properties (such as structural, functional, and spatial information, amino acid conservation, physicochemical variation, residue mobility, and thermodynamic stability) has been performed at Invitae for this missense variant, however the output from this modeling did not meet the statistical confidence thresholds required to predict the impact of this variant on RB1 protein function. In summary, the available evidence is currently insufficient to determine the role of this variant in disease. Therefore, it has been classified as a Variant of Uncertain Significance.